The following is an entry in ClinVar:

NM_000487.6(ARSA):c.109G>C (p.Asp37His)

Gene: ARSA (arylsulfatase A; minus strand). Cytogenetic location: 22q13.33.
Variant type: single nucleotide variant.
Coding change: c.109G>C on transcript NM_000487.6 (MANE Select); coding-DNA position 109, G replaced by C.
Protein change: p.Asp37His; replaces aspartic acid 37 with histidine.
Molecular consequence: missense variant. On other transcripts: intron variant (2).
Genome position (GRCh38, 1-based): chr22:50,627,671, C>G on the plus strand (G>C on the coding strand, the complement: ARSA is on the minus strand). VCF-style: chr22-50627671-C-G. GRCh37 (hg19) VCF-style: chr22-51066099-C-G.
Other names: c.109G>C, p.Asp37His (NM_001085425.3, NM_001085426.3, NM_001085427.3); c.-34-265G>C (NM_001362782.2, NM_001085428.3); short protein forms D37H.
Identifiers: ClinVar variation 1524840 (VCV001524840.9), dbSNP rs2146728318, ClinGen allele CA412183080.

ClinVar aggregate classification (germline): Pathogenic/Likely pathogenic. Review status: criteria provided, multiple submitters, no conflicts (2 of 4 stars). 2 submissions from 2 submitters: Pathogenic (1); Likely pathogenic (1). Last evaluated 2025-10-13.

Conditions:
Metachromatic leukodystrophy (MLD). Also called: SULFATIDE LIPIDOSIS; ARSA DEFICIENCY; CEREBROSIDE SULFATASE DEFICIENCY; Cerebral sclerosis diffuse metachromatic form; Arylsulfatase A Deficiency; METACHROMATIC LEUKOENCEPHALOPATHY. Identifiers: Orphanet 512, MedGen C0023522, MONDO:0018868, OMIM 250100.

Allele frequency attached by ClinVar (database versions not stated): gnomAD exomes 0.00001.

Submissions (2):

Women's Health and Genetics/Laboratory Corporation of America, LabCorp
Classification: Likely pathogenic for Metachromatic leukodystrophy. Last evaluated: 2025-10-13. Review status: criteria provided, single submitter. Criteria: LabCorp Variant Classification Summary - May 2015. Collection method: clinical testing. Allele origin: germline.
Comment: Variant summary: ARSA c.109G>C (p.Asp37His) results in a non-conservative amino acid change in the encoded protein sequence. Algorithms developed to predict the effect of missense changes on protein structure and function all suggest that this variant is likely to be disruptive. The variant was absent in 165432 control chromosomes. At least one individual with a different P/LP variant in trans, tested at our laboratory, reportedly exhibited residual enzyme activity of <10% and urine sulfatide excretion, suggestive of an impact on protein function (internal data). ClinVar contains an entry for this variant (Variation ID: 1524840). Based on the evidence outlined above, the variant was classified as likely pathogenic.

Labcorp Genetics (formerly Invitae), Labcorp
Classification: Pathogenic for Metachromatic leukodystrophy. Last evaluated: 2025-10-09. Review status: criteria provided, single submitter. Criteria: Invitae Variant Classification Sherloc (09022015). Collection method: clinical testing. Allele origin: germline.
Comment: This sequence change replaces aspartic acid, which is acidic and polar, with histidine, which is basic and polar, at codon 37 of the ARSA protein (p.Asp37His). This variant is not present in population databases (gnomAD no frequency). This missense change has been observed in individual(s) with metachromatic leukodystrophy (internal data). In at least one individual the data is consistent with being in trans (on the opposite chromosome) from a pathogenic variant. ClinVar contains an entry for this variant (Variation ID: 1524840). Invitae Evidence Modeling of protein sequence and biophysical properties (such as structural, functional, and spatial information, amino acid conservation, physicochemical variation, residue mobility, and thermodynamic stability) indicates that this missense variant is expected to disrupt ARSA protein function with a positive predictive value of 95%. For these reasons, this variant has been classified as Pathogenic.